The following is an entry in ClinVar:

NM_006005.3(WFS1):c.1757C>T (p.Ala586Val)

Gene: WFS1 (wolframin ER transmembrane glycoprotein; plus strand). Cytogenetic location: 4p16.1.
Variant type: single nucleotide variant.
Coding change: c.1757C>T on transcript NM_006005.3 (MANE Select); coding-DNA position 1757, C replaced by T.
Protein change: p.Ala586Val; replaces alanine 586 with valine.
Molecular consequence: missense variant.
Genome position (GRCh38, 1-based): chr4:6,301,552, C>T. VCF-style: chr4-6301552-C-T. GRCh37 (hg19) VCF-style: chr4-6303279-C-T.
Other names: c.1757C>T, p.Ala586Val (NM_001145853.1); short protein forms A586V.
Identifiers: ClinVar variation 1949627 (VCV001949627.5), dbSNP rs770895770, ClinGen allele CA356176763.

ClinVar aggregate classification (germline): Uncertain significance (1 of 4 stars; one submission).

Submission:

Labcorp Genetics (formerly Invitae), Labcorp
Classification: Uncertain significance. Last evaluated: 2022-10-24. Review status: criteria provided, single submitter. Criteria: Invitae Variant Classification Sherloc (09022015). Collection method: clinical testing. Allele origin: germline.
Comment: This sequence change replaces alanine, which is neutral and non-polar, with valine, which is neutral and non-polar, at codon 586 of the WFS1 protein (p.Ala586Val). This variant is not present in population databases (gnomAD no frequency). This variant has not been reported in the literature in individuals affected with WFS1-related conditions. Advanced modeling of protein sequence and biophysical properties (such as structural, functional, and spatial information, amino acid conservation, physicochemical variation, residue mobility, and thermodynamic stability) performed at Invitae indicates that this missense variant is not expected to disrupt WFS1 protein function. In summary, the available evidence is currently insufficient to determine the role of this variant in disease. Therefore, it has been classified as a Variant of Uncertain Significance.